The following is an entry in ClinVar:

NM_015072.5(TTLL5):c.3523G>T (p.Ala1175Ser)

Gene: TTLL5 (tubulin tyrosine ligase like 5; plus strand). Cytogenetic location: 14q24.3.
Variant type: single nucleotide variant.
Coding change: c.3523G>T on transcript NM_015072.5 (MANE Select); coding-DNA position 3523, G replaced by T.
Protein change: p.Ala1175Ser; replaces alanine 1175 with serine.
Molecular consequence: missense variant.
Genome position (GRCh38, 1-based): chr14:75,882,685, G>T. VCF-style: chr14-75882685-G-T. GRCh37 (hg19) VCF-style: chr14-76349028-G-T.
Other names: short protein forms A1175S.
Identifiers: ClinVar variation 1919959 (VCV001919959.6), dbSNP rs954666267, ClinGen allele CA263973203.

ClinVar aggregate classification (germline): Uncertain significance. Review status: criteria provided, multiple submitters, no conflicts (2 of 4 stars). 2 submissions from 2 submitters: Uncertain significance (2). Last evaluated 2022-09-05.

Allele frequency attached by ClinVar (database versions not stated): gnomAD 0.00001.
gnomAD v4.1: 22 of 1,599,228 alleles (0.0014%); highest among the groups gnomAD compares: Admixed American, 0.0035%; no homozygotes.

Submissions (2):

Blueprint Genetics
Classification: Uncertain significance. Last evaluated: 2022-09-05. Review status: criteria provided, single submitter. Criteria: ACMG Guidelines, 2015. Collection method: clinical testing. Allele origin: germline.

Labcorp Genetics (formerly Invitae), Labcorp
Classification: Uncertain significance. Last evaluated: 2022-06-17. Review status: criteria provided, single submitter. Criteria: Invitae Variant Classification Sherloc (09022015). Collection method: clinical testing. Allele origin: germline.
Comment: In summary, the available evidence is currently insufficient to determine the role of this variant in disease. Therefore, it has been classified as a Variant of Uncertain Significance. Algorithms developed to predict the effect of missense changes on protein structure and function (SIFT, PolyPhen-2, Align-GVGD) all suggest that this variant is likely to be tolerated. This variant has not been reported in the literature in individuals affected with TTLL5-related conditions. This variant is present in population databases (no rsID available, gnomAD 0.004%). This sequence change replaces alanine, which is neutral and non-polar, with serine, which is neutral and polar, at codon 1175 of the TTLL5 protein (p.Ala1175Ser).